The following is an entry in ClinVar:

ClinVar aggregate classification (germline): Likely benign. Review status: criteria provided, multiple submitters, no conflicts (2 of 4 stars). 6 submissions from 6 submitters: Likely benign (6). Last evaluated 2025-12-26.

Conditions:
KAT6A-related disorder. Also called: KAT6A-related condition.
Inborn genetic diseases. Identifiers: MedGen C0950123, MeSH D030342.

Allele frequency attached by ClinVar (database versions not stated): 1000 Genomes Project 30x 0.00016; gnomAD 0.00017; gnomAD exomes 0.00017; ExAC 0.00018; 1000 Genomes Project 0.00020; TOPMed 0.00020; ESP Exome Variant Server 0.00062.
gnomAD v4.1: 524 of 1,614,254 alleles (0.032%); highest among the groups gnomAD compares: Middle Eastern, 0.16%; no homozygotes.

Submissions (6):

Labcorp Genetics (formerly Invitae), Labcorp
Classification: Likely benign. Last evaluated: 2025-12-26. Review status: criteria provided, single submitter. Criteria: Invitae Variant Classification Sherloc (09022015). Collection method: clinical testing. Allele origin: germline.

PreventionGenetics, part of Exact Sciences
Classification: Likely benign for KAT6A-related condition. Last evaluated: 2025-02-13. Review status: criteria provided, single submitter. Criteria: ACMG Guidelines, 2015. Collection method: clinical testing. Allele origin: germline.
Comment: This variant is classified as likely benign based on ACMG/AMP sequence variant interpretation guidelines (Richards et al. 2015 PMID: 25741868, with internal and published modifications).

CeGaT Center for Human Genetics Tuebingen
Classification: Likely benign. Last evaluated: 2023-10-01. Review status: criteria provided, single submitter. Criteria: CeGaT Center For Human Genetics Tuebingen Variant Classification Criteria Version 2. Collection method: clinical testing. Allele origin: germline. Affected: yes. Observed: 2 variant alleles.
Comment: KAT6A: BP4, BP7

GeneDx
Classification: Likely benign. Last evaluated: 2021-02-18. Review status: criteria provided, single submitter. Criteria: GeneDx Variant Classification Process June 2021. Collection method: clinical testing. Allele origin: germline. Affected: yes.

Ambry Genetics
Classification: Likely benign for Inborn genetic diseases. Last evaluated: 2019-10-23. Review status: criteria provided, single submitter. Criteria: Ambry Variant Classification Scheme 2023. Collection method: clinical testing. Allele origin: germline.

Breakthrough Genomics
Classification: Likely benign. Review status: criteria provided, single submitter. Criteria: ACMG Guidelines, 2015. Collection method: not provided. Allele origin: germline. Inheritance: Autosomal dominant inheritance. Affected: yes.

NM_006766.5(KAT6A):c.5730T>C (p.Asn1910=)

Gene: KAT6A (lysine acetyltransferase 6A; minus strand). Cytogenetic location: 8p11.21.
Variant type: single nucleotide variant.
Coding change: c.5730T>C on transcript NM_006766.5 (MANE Select); coding-DNA position 5730, T replaced by C.
Protein change: p.Asn1910=; no amino-acid change (asparagine 1910 retained).
Molecular consequence: synonymous variant.
Genome position (GRCh38, 1-based): chr8:41,932,490, A>G on the plus strand (T>C on the coding strand, the complement: KAT6A is on the minus strand). VCF-style: chr8-41932490-A-G. GRCh37 (hg19) VCF-style: chr8-41790008-A-G.
Identifiers: ClinVar variation 719218 (VCV000719218.37), dbSNP rs144084994, ClinGen allele CA4729248.
Genomic context (GRCh38, chr8:41,932,490, plus strand): 5'-GGGCTGTGTCATTCGATAGCTGTTCATGGCATTCAAGGTGTTCATATTCATGGAATTGAC[A>G]TTATAGGCGGGAGTAGGCATCAGATTAACCCCCATGTTCATGCCACGCTGAACAGCCAGT-3'
Protein context (NP_006757.2, residues 1900-1920): GVNLMPTPAY[Asn1910=]VNSMNMNTLN